The following is an entry in ClinVar:

ClinVar aggregate classification (germline): Conflicting classifications of pathogenicity. Review status: criteria provided, conflicting classifications (1 of 4 stars). 4 submissions from 4 submitters: Uncertain significance (2); Likely benign (2). Last evaluated 2025-06-29.

Conditions:
COL5A1-related disorder. Also called: COL5A1-related condition.
Ehlers-Danlos syndrome (EDS). Identifiers: Orphanet 98249, MedGen C0013720, MONDO:0020066.
Ehlers-Danlos syndrome, classic type (cEDS). Identifiers: Orphanet 287, MedGen C4225429, MONDO:0007522.

Allele frequency attached by ClinVar (database versions not stated): gnomAD 0.00011 and 0.00012; TOPMed 0.00011; gnomAD exomes 0.00014 and 0.00025; ExAC 0.00016; 1000 Genomes Project 30x 0.00031; 1000 Genomes Project 0.00040.
gnomAD v4.1: 386 of 1,612,800 alleles (0.024%); highest among the groups gnomAD compares: Non-Finnish European, 0.031%; no homozygotes.

Submissions (4):

PreventionGenetics, part of Exact Sciences
Classification: Uncertain significance for COL5A1-related condition. Last evaluated: 2025-06-29. Review status: criteria provided, single submitter. Criteria: ACMG Guidelines, 2015. Collection method: clinical testing. Allele origin: germline.
Comment: The COL5A1 c.5077G>A variant is predicted to result in the amino acid substitution p.Ala1693Thr. To our knowledge, this variant has not been reported in the literature. This variant is reported in 0.028% of alleles in individuals of European (Non-Finnish) descent in gnomAD. Although we suspect that this variant may be benign, at this time, the clinical significance of this variant is uncertain due to the absence of conclusive functional and genetic evidence.

Blueprint Genetics
Classification: Likely benign. Last evaluated: 2024-10-28. Review status: criteria provided, single submitter. Criteria: ACMG Guidelines, 2015. Collection method: clinical testing. Allele origin: germline.

Department of Pathology and Laboratory Medicine, Sinai Health System
Classification: Uncertain significance for Ehlers-Danlos syndrome, classic type. Last evaluated: 2022-01-20. Review status: criteria provided, single submitter. Criteria: ACMG Guidelines, 2015. Collection method: research. Allele origin: germline.

GeneDx
Classification: Likely benign. Last evaluated: 2020-08-28. Review status: criteria provided, single submitter. Criteria: GeneDx Variant Classification Process June 2021. Collection method: clinical testing. Allele origin: germline. Affected: yes.
Comment: Has not been previously published as pathogenic or benign to our knowledge; In silico analysis supports that this variant does not alter splicing

NM_000093.5(COL5A1):c.5136+73G>A

Genes: COL5A1 (collagen type V alpha 1 chain; plus strand), LOC101448202 (uncharacterized LOC101448202; minus strand). Cytogenetic location: 9q34.3.
Variant type: single nucleotide variant.
Coding change: c.5136+73G>A on transcript NM_000093.5 (MANE Select); 73 bases into the intron after coding-DNA position 5136, G replaced by A.
Molecular consequence: intron variant. On other transcripts: missense variant (1).
Genome position (GRCh38, 1-based): chr9:134,830,117, G>A. VCF-style: chr9-134830117-G-A. GRCh37 (hg19) VCF-style: chr9-137721963-G-A.
Other names: c.5077G>A, p.Ala1693Thr (NM_001278074.1); short protein forms A1693T.
Identifiers: ClinVar variation 426981 (VCV000426981.7), dbSNP rs560195385, ClinGen allele CA5320614.